The following is an entry in ClinVar:

ClinVar aggregate classification (germline): Pathogenic (1 of 4 stars; one submission).

Submission:

ISCA Site 6
Classification: Pathogenic. Last evaluated: 2011-08-12. Review status: criteria provided, single submitter. Criteria: Kaminsky et al. (Genet Med. 2011). Collection method: clinical testing. Allele origin: maternal. Affected: yes. Observed: 1 variant allele.
Comment: Copy number variation identified through the course of routine clinical cytogenomic testing in postnatal populations. Clinical assertions have been curated as described in Kaminsky et al. 2011.

GRCh38/hg38 1q21.1-21.2(chr1:146987841-148287692)x3

Genes: ACP6 (acid phosphatase 6, lysophosphatidic; minus strand), BCL9 (BCL9 transcription coactivator; plus strand), CHD1L (chromodomain helicase DNA binding protein 1 like; plus strand), FMO5 (flavin containing dimethylaniline monoxygenase 5; minus strand), GJA5 (gap junction protein alpha 5; minus strand) and 41 more. Cytogenetic location: 1q21.1-21.2.
Variant type: copy number gain.
Change: copy number 3 (three copies instead of two) of chr1:146,987,841-148,287,692 (1.30 Mb, GRCh38 coordinates, 1-based), cytogenetic band 1q21.1-21.2.
Identifiers: ClinVar variation 59355 (VCV000059355.2).